The following is an entry in ClinVar:

ClinVar aggregate classification (germline): Uncertain significance (1 of 4 stars; one submission).

Conditions:
Intellectual developmental disorder, X-linked 93. Also called: MENTAL RETARDATION, X-LINKED, WITH MACROCEPHALY; Intellectual disability, X-linked 93. Identifiers: MedGen C1970841, MONDO:0010393, OMIM 300659.

Submission:

Juno Genomics, Hangzhou Juno Genomics, Inc
Classification: Uncertain significance for Intellectual developmental disorder, X-linked 93. Review status: criteria provided, single submitter. Criteria: ACMG Guidelines, 2015. Collection method: clinical testing. Allele origin: germline.
Comment: Absent from controls (or at extremely low frequency if recessive) in Genome Aggregation Database.;Protein length changes due to in-frame deletions/insertions in a non-repeat region or stop-loss variants.

NM_153252.5(BRWD3):c.4356AAG[1] (p.Arg1453del)

Gene: BRWD3 (bromodomain and WD repeat domain containing 3; minus strand). Cytogenetic location: Xq21.1.
Variant type: Microsatellite.
Coding change: c.4356AAG[1] on transcript NM_153252.5 (MANE Select); one copy of the 3-base unit AAG starting at c.4356; the reference has two copies in a row; one copy, 3 bases deleted; also written c.4359_4361del.
Protein change: p.Arg1453del; deletes arginine 1453.
Genome position (GRCh38, 1-based): chrX:80,682,501-80,682,503, CTT deleted on the plus strand (AAG on the coding strand, the reverse complement: BRWD3 is on the minus strand); deleting any 3 consecutive bases within chrX:80,682,501-80,682,506 gives the same sequence; the position shown is the placement nearest the transcript's 3' end. VCF-style (leftmost placement, unchanged base first): chrX-80682500-GCTT-G. GRCh37 (hg19) VCF-style: chrX-79937999-GCTT-G.
Other names: c.4359_4361del (NM_153252.5); c.4206AAG[1], p.Arg1403del (NM_001441339.1); short protein forms R1403del, R1453del.
Identifiers: ClinVar variation 5018904 (VCV005018904.2).